The following is an entry in ClinVar:

ClinVar aggregate classification (germline): Likely benign. Review status: criteria provided, multiple submitters, no conflicts (2 of 4 stars). 3 submissions from 3 submitters: Likely benign (3). Last evaluated 2025-08-03.

Conditions:
Cardiovascular phenotype. Identifiers: MedGen CN230736.
Catecholaminergic polymorphic ventricular tachycardia (CVPT). Also called: Catecholamine-induced polymorphic ventricular tachycardia. Identifiers: Orphanet 3286, MedGen C5574922, MONDO:0017990.
Catecholaminergic polymorphic ventricular tachycardia 1. Also called: VENTRICULAR TACHYCARDIA, CATECHOLAMINERGIC POLYMORPHIC, 1, WITH OR WITHOUT ATRIAL DYSFUNCTION AND/OR DILATED CARDIOMYOPATHY; RYR2-Related Catecholaminergic Polymorphic Ventricular Tachycardia; VENTRICULAR TACHYCARDIA, STRESS-INDUCED POLYMORPHIC 1. Identifiers: Orphanet 3286, MedGen C1631597, MONDO:0011484, OMIM 604772.

gnomAD v4.1: 1 of 1,614,032 alleles (0.000062%); highest among the groups gnomAD compares: Non-Finnish European, 0.000085%; no homozygotes.

Submissions (3):

Ambry Genetics
Classification: Likely benign for Cardiovascular phenotype. Last evaluated: 2025-08-03. Review status: criteria provided, single submitter. Criteria: Ambry Variant Classification Scheme 2023. Collection method: clinical testing. Allele origin: germline.

All of Us Research Program, National Institutes of Health
Classification: Likely benign for Catecholaminergic polymorphic ventricular tachycardia. Last evaluated: 2023-04-10. Review status: criteria provided, single submitter. Criteria: ACMG Guidelines, 2015. Collection method: clinical testing. Allele origin: germline. Inheritance: Autosomal dominant inheritance. Observed: 1 variant allele, 1 heterozygote.
Comment: This study involves interpretation of variants in research participants for the purpose of population health screening. Participant phenotype was not available at the time of variant classification. Additional details can be found in publication PMID: 35346344, PMCID: PMC8962531

Labcorp Genetics (formerly Invitae), Labcorp
Classification: Likely benign for Catecholaminergic polymorphic ventricular tachycardia 1. Last evaluated: 2022-11-24. Review status: criteria provided, single submitter. Criteria: Invitae Variant Classification Sherloc (09022015). Collection method: clinical testing. Allele origin: germline.

NM_001035.3(RYR2):c.5298C>G (p.Pro1766=)

Gene: RYR2 (ryanodine receptor 2; plus strand). Cytogenetic location: 1q43.
Variant type: single nucleotide variant.
Coding change: c.5298C>G on transcript NM_001035.3 (MANE Select); coding-DNA position 5298, C replaced by G.
Protein change: p.Pro1766=; no amino-acid change (proline 1766 retained).
Molecular consequence: synonymous variant.
Genome position (GRCh38, 1-based): chr1:237,614,426, C>G. VCF-style: chr1-237614426-C-G. GRCh37 (hg19) VCF-style: chr1-237777726-C-G.
Other names: c.5298C>G (NM_001035.2).
Identifiers: ClinVar variation 2919905 (VCV002919905.5), dbSNP rs570743152, ClinGen allele CA424031342.
Genomic context (GRCh38, chr1:237,614,426, plus strand): 5'-CGGCCTTCCAGGGATCGGCCTCAGCACCTCCCTCAGGCCACGGATGCAGTTTTCCTCCCC[C>G]AGTTTTGTAAGCATTAGTAATGAATGTTACCAGTACAGTCCAGAGTTCCCACTGGACATC-3'
Protein context (NP_001026.2, residues 1756-1776): SLRPRMQFSS[Pro1766=]SFVSISNECY